The following is an entry in ClinVar:

ClinVar aggregate classification (germline): Uncertain significance (1 of 4 stars; one submission).

Allele frequency attached by ClinVar (database versions not stated): TOPMed below 0.00001.
gnomAD v4.1: 1 of 1,589,678 alleles (0.000063%); highest among the groups gnomAD compares: Non-Finnish European, 0.000086%; no homozygotes.

Submission:

Labcorp Genetics (formerly Invitae), Labcorp
Classification: Uncertain significance. Last evaluated: 2023-07-31. Review status: criteria provided, single submitter. Criteria: Invitae Variant Classification Sherloc (09022015). Collection method: clinical testing. Allele origin: germline.
Comment: In summary, the available evidence is currently insufficient to determine the role of this variant in disease. Therefore, it has been classified as a Variant of Uncertain Significance. An algorithm developed to predict the effect of missense changes on protein structure and function (PolyPhen-2) suggests that this variant is likely to be tolerated. This variant has not been reported in the literature in individuals affected with IL6ST-related conditions. This variant is not present in population databases (gnomAD no frequency). This sequence change replaces leucine, which is neutral and non-polar, with valine, which is neutral and non-polar, at codon 627 of the IL6ST protein (p.Leu627Val).

NM_002184.4(IL6ST):c.1879T>G (p.Leu627Val)

Gene: IL6ST (interleukin 6 cytokine family signal transducer; minus strand). Cytogenetic location: 5q11.2.
Variant type: single nucleotide variant.
Coding change: c.1879T>G on transcript NM_002184.4 (MANE Select); coding-DNA position 1879, T replaced by G.
Protein change: p.Leu627Val; replaces leucine 627 with valine.
Molecular consequence: missense variant. On other transcripts: 3 prime UTR variant (1), non-coding transcript variant (2).
Genome position (GRCh38, 1-based): chr5:55,947,551, A>C on the plus strand (T>G on the coding strand, the complement: IL6ST is on the minus strand). VCF-style: chr5-55947551-A-C. GRCh37 (hg19) VCF-style: chr5-55243379-A-C.
Other names: c.1696T>G, p.Leu566Val (NM_001190981.2); c.1777T>G, p.Leu593Val (NM_001364275.2); c.1669T>G, p.Leu557Val (NM_001364276.2); c.1012T>G, p.Leu338Val (NM_001364277.2); c.976T>G, p.Leu326Val (NM_001364278.2); c.883T>G, p.Leu295Val (NM_001364279.2); c.*806T>G (NM_175767.3); short protein forms L338V, L326V, L557V, L593V, L627V, L566V, L295V.
Identifiers: ClinVar variation 2748870 (VCV002748870.3), dbSNP rs1751344715, ClinGen allele CA359782376.